The following is an entry in ClinVar:

NM_001256012.3(MYH10):c.3200T>G (p.Ile1067Ser)

Gene: MYH10 (myosin heavy chain 10; minus strand). Cytogenetic location: 17p13.1.
Variant type: single nucleotide variant.
Coding change: c.3200T>G on transcript NM_001256012.3 (MANE Select); coding-DNA position 3200, T replaced by G.
Protein change: p.Ile1067Ser; replaces isoleucine 1067 with serine.
Molecular consequence: missense variant.
Genome position (GRCh38, 1-based): chr17:8,508,568, A>C on the plus strand (T>G on the coding strand, the complement: MYH10 is on the minus strand). VCF-style: chr17-8508568-A-C. GRCh37 (hg19) VCF-style: chr17-8411886-A-C.
Other names: c.3134T>G, p.Ile1045Ser (NM_001256095.2); c.3137T>G, p.Ile1046Ser (NM_001375266.1); c.3107T>G, p.Ile1036Ser (NM_005964.5); short protein forms I1036S, I1045S, I1046S, I1067S.
Identifiers: ClinVar variation 3359665 (VCV003359665.1).

ClinVar aggregate classification (germline): Uncertain significance (1 of 4 stars; one submission).

gnomAD v4.1: 2 of 1,614,122 alleles (0.00012%); highest among the groups gnomAD compares: Non-Finnish European, 0.00017%; no homozygotes.

Submission:

GeneDx
Classification: Uncertain significance. Last evaluated: 2023-06-10. Review status: criteria provided, single submitter. Criteria: GeneDx Variant Classification Process June 2021. Collection method: clinical testing. Allele origin: germline. Affected: yes.
Comment: Not observed at significant frequency in large population cohorts (gnomAD); In silico analysis supports that this missense variant has a deleterious effect on protein structure/function; Has not been previously published as pathogenic or benign to our knowledge